The following is an entry in ClinVar:

ClinVar aggregate classification (germline): Uncertain significance (1 of 4 stars; one submission).

Submission:

GeneDx
Classification: Uncertain significance. Last evaluated: 2025-04-21. Review status: criteria provided, single submitter. Criteria: GeneDx Variant Classification Process June 2021. Collection method: clinical testing. Allele origin: germline. Affected: yes.
Comment: Not observed at significant frequency in large population cohorts (gnomAD); In silico analysis supports that this missense variant has a deleterious effect on protein structure/function; Has not been previously published as pathogenic or benign to our knowledge

NM_000334.4(SCN4A):c.77C>A (p.Ala26Glu)

Gene: SCN4A (sodium voltage-gated channel alpha subunit 4; minus strand). Cytogenetic location: 17q23.3.
Variant type: single nucleotide variant.
Coding change: c.77C>A on transcript NM_000334.4 (MANE Select); coding-DNA position 77, C replaced by A.
Protein change: p.Ala26Glu; replaces alanine 26 with glutamic acid.
Molecular consequence: missense variant.
Genome position (GRCh38, 1-based): chr17:63,972,765, G>T on the plus strand (C>A on the coding strand, the complement: SCN4A is on the minus strand). VCF-style: chr17-63972765-G-T. GRCh37 (hg19) VCF-style: chr17-62050125-G-T.
Other names: short protein forms A26E.
Identifiers: ClinVar variation 4527396 (VCV004527396.1).
Genomic context (GRCh38, chr17:63,972,765, plus strand): 5'-TCCATCTGCTTATTCCGCTGCAGCCGGGCCTCCTCCTCCACCGCCCGCTGTTCTATGGCT[G>T]CCAGTGACTCCCGGGTGAAGGGGCGCAAGCACTCAGGGCCCAGAGGCACCAGGGTGCACA-3'
Protein context (NP_000325.4, residues 16-36): CLRPFTRESL[Ala26Glu]AIEQRAVEEE